The following is an entry in ClinVar:

ClinVar aggregate classification (germline): Uncertain significance (1 of 4 stars; one submission).

Conditions:
Familial focal epilepsy with variable foci (FPEVF). Identifiers: Orphanet 98820, MedGen C1858477, MONDO:0020310.

Allele frequency attached by ClinVar (database versions not stated): gnomAD 0.00001; TOPMed 0.00001.
gnomAD v4.1: 2 of 1,613,984 alleles (0.00012%); highest among the groups gnomAD compares: Non-Finnish European, 0.00017%; no homozygotes.

Submission:

Labcorp Genetics (formerly Invitae), Labcorp
Classification: Uncertain significance for Familial focal epilepsy with variable foci. Last evaluated: 2023-08-17. Review status: criteria provided, single submitter. Criteria: Invitae Variant Classification Sherloc (09022015). Collection method: clinical testing. Allele origin: germline.
Comment: This sequence change replaces tyrosine, which is neutral and polar, with cysteine, which is neutral and slightly polar, at codon 1323 of the DEPDC5 protein (p.Tyr1323Cys). This variant is not present in population databases (gnomAD no frequency). This variant has not been reported in the literature in individuals affected with DEPDC5-related conditions. ClinVar contains an entry for this variant (Variation ID: 1023543). Experimental studies and prediction algorithms are not available or were not evaluated, and the functional significance of this variant is currently unknown. In summary, the available evidence is currently insufficient to determine the role of this variant in disease. Therefore, it has been classified as a Variant of Uncertain Significance.

NM_001242896.3(DEPDC5):c.3968A>G (p.Tyr1323Cys)

Gene: DEPDC5 (DEP domain containing 5, GATOR1 subcomplex subunit; plus strand). Cytogenetic location: 22q12.3.
Variant type: single nucleotide variant.
Coding change: c.3968A>G on transcript NM_001242896.3 (MANE Select); coding-DNA position 3968, A replaced by G.
Protein change: p.Tyr1323Cys; replaces tyrosine 1323 with cysteine.
Molecular consequence: missense variant. On other transcripts: non-coding transcript variant (5).
Genome position (GRCh38, 1-based): chr22:31,879,687, A>G. VCF-style: chr22-31879687-A-G. GRCh37 (hg19) VCF-style: chr22-32275673-A-G.
Other names: c.3941A>G, p.Tyr1314Cys (NM_001136029.4); c.3668A>G, p.Tyr1223Cys (NM_001242897.2); c.3902A>G, p.Tyr1301Cys (NM_001363852.2, NM_001364320.2); c.3734A>G, p.Tyr1245Cys (NM_001363854.2, NM_001364319.2); c.3968A>G, p.Tyr1323Cys (NM_001364318.2); c.3884A>G, p.Tyr1295Cys (NM_001369901.1, NM_001369902.1); c.3875A>G, p.Tyr1292Cys (NM_001369903.1, NM_014662.6); short protein forms Y1223C, Y1245C, Y1292C, Y1295C, Y1301C, Y1314C, Y1323C.
Identifiers: ClinVar variation 1023543 (VCV001023543.8), dbSNP rs1346869002, ClinGen allele CA411282716.
Genomic context (GRCh38, chr22:31,879,687, plus strand): 5'-TCGTGCACTCTGAGATTCCTGCCTTTCTCCTGCCCTGGCTGCCTAGCCGGCCAGCCTCCT[A>G]TGCAAGTAGGCACAGCTCCTTTAGCCGAAGTTTTGGAGGACGGAGCCAGGCGGCAGCACT-3'
Protein context (NP_001229825.1, residues 1313-1333): LPWLPSRPAS[Tyr1323Cys]ASRHSSFSRS